The following is an entry in ClinVar:

ClinVar aggregate classification (germline): Conflicting classifications of pathogenicity. Review status: criteria provided, conflicting classifications (1 of 4 stars). 10 submissions from 10 submitters: Uncertain significance (4); Likely benign (2). 4 of the submissions do not count toward it. Last evaluated 2026-02-01.

Conditions:
Dilated cardiomyopathy 1G (CMD1G). Identifiers: Orphanet 154, MedGen C1858763, MONDO:0011400, OMIM 604145.
Autosomal recessive limb-girdle muscular dystrophy type 2J (LGMDR10). Also called: Limb-girdle muscular dystrophy, type 2J; MUSCULAR DYSTROPHY, LIMB-GIRDLE, AUTOSOMAL RECESSIVE 10. Identifiers: Orphanet 140922, MedGen C1837342, MONDO:0012127, OMIM 608807.
Tibial muscular dystrophy (TMD). Also called: UDD MYOPATHY; Tibial muscular dystrophy, tardive; Udd Distal Myopathy – Tibial Muscular Dystrophy. Identifiers: Orphanet 609, MedGen C1838244, MONDO:0010870, OMIM 600334.
Early-onset myopathy with fatal cardiomyopathy (CMYO5). Also called: Salih Myopathy; CONGENITAL MYOPATHY 5 WITH CARDIOMYOPATHY. Identifiers: Orphanet 289377, MedGen C2673677, MONDO:0012714, OMIM 611705. Disease mechanism: loss of function.
Myopathy, myofibrillar, 9, with early respiratory failure (MFM9). Also called: Hereditary myopathy with early respiratory failure; MYOPATHY, PROXIMAL, WITH EARLY RESPIRATORY MUSCLE INVOLVEMENT; Myopathy, distal, with early respiratory failure, autosomal dominant; EDSTROM MYOPATHY. Identifiers: Orphanet 178464, Orphanet 34521, MedGen C1863599, MONDO:0011362, OMIM 603689.
Hypertrophic cardiomyopathy 9. Also called: Familial hypertrophic cardiomyopathy 9. Identifiers: MedGen C1861065, MONDO:0013412, OMIM 613765.

Allele frequency attached by ClinVar (database versions not stated): 1000 Genomes Project 30x 0.00281; gnomAD 0.00046; gnomAD exomes 0.00063.

Submissions (10):

CeGaT Center for Human Genetics Tuebingen
Classification: Likely benign. Last evaluated: 2026-02-01. Review status: criteria provided, single submitter. Criteria: CeGaT Center For Human Genetics Tuebingen Variant Classification Criteria Version 2. Collection method: clinical testing. Allele origin: germline. Affected: yes. Observed: 3 variant alleles.
Comment: TTN: BP4, BS2

Blueprint Genetics
Classification: Likely benign. Last evaluated: 2024-11-20. Review status: criteria provided, single submitter. Criteria: ACMG Guidelines, 2015. Collection method: clinical testing. Allele origin: germline.

Fulgent Genetics
Classification: Uncertain significance for Tibial muscular dystrophy; Myopathy, myofibrillar, 9, with early respiratory failure; Dilated cardiomyopathy 1G; Autosomal recessive limb-girdle muscular dystrophy type 2J; Early-onset myopathy with fatal cardiomyopathy; Hypertrophic cardiomyopathy 9. Last evaluated: 2022-05-04. Review status: criteria provided, single submitter. Criteria: ACMG Guidelines, 2015. Collection method: clinical testing. Allele origin: unknown.

Department of Pathology and Laboratory Medicine, Sinai Health System
Classification: Uncertain significance for Tibial muscular dystrophy; Myopathy, myofibrillar, 9, with early respiratory failure; Dilated cardiomyopathy 1G; Autosomal recessive limb-girdle muscular dystrophy type 2J; Early-onset myopathy with fatal cardiomyopathy; Hypertrophic cardiomyopathy 9. Last evaluated: 2021-07-30. Review status: criteria provided, single submitter. Criteria: ACMG Guidelines, 2015. Collection method: research. Allele origin: germline.

Labcorp Genetics (formerly Invitae), Labcorp
Classification: Uncertain significance for Dilated cardiomyopathy 1G; Autosomal recessive limb-girdle muscular dystrophy type 2J. Last evaluated: 2017-10-08. Review status: criteria provided, single submitter. Criteria: Invitae Variant Classification Sherloc (09022015). Collection method: clinical testing. Allele origin: germline.

Eurofins Ntd Llc (ga)
Classification: Uncertain significance. Last evaluated: 2013-07-26. Review status: criteria provided, single submitter. Criteria: EGL Classification Definitions 2015. Collection method: clinical testing. Allele origin: germline. Observed: 2 variant alleles, 1 heterozygote.

GeneDx
No classification provided. Last evaluated: 2013-10-30. Review status: no classification provided. Criteria: GeneDx Variant Classification (06012015). Collection method: clinical testing. Allele origin: germline. Affected: yes. Not counted in ClinVar's aggregate classification.
Comment: Missense variants in the TTN gene are considered 'unclassified' if they are not previously reported in the literature and do not have >1% frequency in the population to be considered a polymorphism. Research indicates that truncating mutations in the TTN gene are expected to account for approximately 25% of familial and 18% of sporadic idiopathic DCM; however, truncating variants in the TTN gene have been reported in approximately 3% of reported control alleles. There has been little investigation into non-truncating variants. (Herman D et al. Truncations of titin causing dilated cardiomyopathy. N Eng J Med 366:619-628, 2012) The variant is found in CARDIOMYOPATHY,DCM-CRDM panel(s).

Clinical Genetics DNA and cytogenetics Diagnostics Lab, Erasmus MC, Erasmus Medical Center
Classification: Likely benign. Review status: no assertion criteria provided. Collection method: clinical testing. Allele origin: germline. Affected: yes. Study: VKGL Data-share Consensus. Not counted in ClinVar's aggregate classification.

Clinical Genetics, Academic Medical Center
Classification: Benign. Review status: no assertion criteria provided. Collection method: clinical testing. Allele origin: germline. Affected: yes. Study: VKGL Data-share Consensus. Not counted in ClinVar's aggregate classification.

Diagnostic Laboratory, Department of Genetics, University Medical Center Groningen
Classification: Likely benign. Review status: no assertion criteria provided. Collection method: clinical testing. Allele origin: germline. Affected: yes. Study: VKGL Data-share Consensus. Not counted in ClinVar's aggregate classification.

NM_001267550.2(TTN):c.37408G>T (p.Val12470Leu)

Gene: TTN (titin; minus strand). Cytogenetic location: 2q31.2.
Variant type: single nucleotide variant.
Coding change: c.37408G>T on transcript NM_001267550.2 (MANE Select); coding-DNA position 37408, G replaced by T.
Protein change: p.Val12470Leu; replaces valine 12470 with leucine.
Molecular consequence: missense variant. On other transcripts: intron variant (3).
Genome position (GRCh38, 1-based): chr2:178,659,050, C>A on the plus strand (G>T on the coding strand, the complement: TTN is on the minus strand). VCF-style: chr2-178659050-C-A. GRCh37 (hg19) VCF-style: chr2-179523777-C-A.
Other names: p.V11493L:GTG>TTG; c.31696G>T, p.Val10566Leu (NM_133378.4); c.34477G>T, p.Val11493Leu (NM_001256850.1); c.13283-16733G>T (NM_003319.4); c.13859-16733G>T (NM_133437.4); c.13658-16733G>T (NM_133432.3); short protein forms V12470L, V11493L.
Identifiers: ClinVar variation 96282 (VCV000096282.35), dbSNP rs398124448, ClinGen allele CA285769.